The following is an entry in ClinVar:

ClinVar aggregate classification (germline): Uncertain significance (1 of 4 stars; one submission).

gnomAD v4.1: 1 of 1,614,178 alleles (0.000062%); highest among the groups gnomAD compares: African/African-American, 0.0013%; no homozygotes.

Submission:

GeneDx
Classification: Uncertain significance. Last evaluated: 2026-03-30. Review status: criteria provided, single submitter. Criteria: GeneDx Variant Classification Process June 2021. Collection method: clinical testing. Allele origin: germline.
Comment: Not observed at significant frequency in large population cohorts (gnomAD); In silico analysis supports that this missense variant has a deleterious effect on protein structure/function; Has not been previously published as pathogenic or benign to our knowledge

NM_002168.4(IDH2):c.850T>C (p.Trp284Arg)

Gene: IDH2 (isocitrate dehydrogenase (NADP(+)) 2; minus strand). Cytogenetic location: 15q26.1.
Variant type: single nucleotide variant.
Coding change: c.850T>C on transcript NM_002168.4 (MANE Select); coding-DNA position 850, T replaced by C.
Protein change: p.Trp284Arg; replaces tryptophan 284 with arginine.
Molecular consequence: missense variant.
Genome position (GRCh38, 1-based): chr15:90,087,229, A>G on the plus strand (T>C on the coding strand, the complement: IDH2 is on the minus strand). VCF-style: chr15-90087229-A-G. GRCh37 (hg19) VCF-style: chr15-90630461-A-G.
Other names: c.694T>C, p.Trp232Arg (NM_001289910.1); c.460T>C, p.Trp154Arg (NM_001290114.2); short protein forms W154R, W232R, W284R.
Identifiers: ClinVar variation 5016973 (VCV005016973.1).